The following is an entry in ClinVar:

NM_001160372.4(TRAPPC9):c.2117C>G (p.Ser706Cys)

Gene: TRAPPC9 (trafficking protein particle complex subunit 9; minus strand). Cytogenetic location: 8q24.3.
Variant type: single nucleotide variant.
Coding change: c.2117C>G on transcript NM_001160372.4 (MANE Select); coding-DNA position 2117, C replaced by G.
Protein change: p.Ser706Cys; replaces serine 706 with cysteine.
Molecular consequence: missense variant. On other transcripts: non-coding transcript variant (1).
Genome position (GRCh38, 1-based): chr8:140,275,819, G>C on the plus strand (C>G on the coding strand, the complement: TRAPPC9 is on the minus strand). VCF-style: chr8-140275819-G-C. GRCh37 (hg19) VCF-style: chr8-141285918-G-C.
Other names: c.2090C>G, p.Ser697Cys (NM_001321646.2); c.2138C>G, p.Ser713Cys (NM_001374682.1); c.2117C>G, p.Ser706Cys (NM_001374683.1, NM_031466.8); c.1973C>G, p.Ser658Cys (NM_001374684.1); short protein forms S697C, S713C, S658C, S706C.
Identifiers: ClinVar variation 2099870 (VCV002099870.4), dbSNP rs1240046718, ClinGen allele CA372739414.
Genomic context (GRCh38, chr8:140,275,819, plus strand): 5'-AGCTGGACAGATACATTAGTAGATATTTCATCACCAGAAGAAGGTTGCAATGAATGTGCA[G>C]ATCTAAAATAAGAAGAAGAAATTTAAAGAAGAAAGAAGGAAGAAGCCAAGGCCATTTGAA-3'
Protein context (NP_001153844.1, residues 696-716): RLQISTSLPR[Ser706Cys]AHSLQPSSGD

ClinVar aggregate classification (germline): Uncertain significance (1 of 4 stars; one submission).

gnomAD v4.1: 3 of 1,610,828 alleles (0.00019%); highest among the groups gnomAD compares: Non-Finnish European, 0.00025%; no homozygotes.

Submission:

Labcorp Genetics (formerly Invitae), Labcorp
Classification: Uncertain significance. Last evaluated: 2022-02-20. Review status: criteria provided, single submitter. Criteria: Invitae Variant Classification Sherloc (09022015). Collection method: clinical testing. Allele origin: germline.
Comment: In summary, the available evidence is currently insufficient to determine the role of this variant in disease. Therefore, it has been classified as a Variant of Uncertain Significance. Algorithms developed to predict the effect of missense changes on protein structure and function are either unavailable or do not agree on the potential impact of this missense change (SIFT: "Not Available"; PolyPhen-2: "Probably Damaging"; Align-GVGD: "Not Available"). This variant has not been reported in the literature in individuals affected with TRAPPC9-related conditions. This variant is not present in population databases (gnomAD no frequency). This sequence change replaces serine, which is neutral and polar, with cysteine, which is neutral and slightly polar, at codon 804 of the TRAPPC9 protein (p.Ser804Cys).